The following is an entry in ClinVar:

ClinVar aggregate classification (germline): Uncertain significance (1 of 4 stars; one submission).

Conditions:
Intellectual developmental disorder with seizures and language delay (IDDSELD). Identifiers: MedGen C5436574, MONDO:0033559, OMIM 619000.

Allele frequency attached by ClinVar (database versions not stated): TOPMed 0.00001.

Submission:

Illumina Laboratory Services, Illumina
Classification: Uncertain significance for Intellectual developmental disorder with seizures and language delay. Last evaluated: 2023-04-04. Review status: criteria provided, single submitter. Criteria: ICSLVariantClassificationCriteria RUGD 01 April 2020. Collection method: clinical testing. Allele origin: unknown.
Comment: The SETD1B c.5372C>G (p.Thr1791Ser) missense variant results in the substitution of threonine at amino acid position 1791 with serine. To our knowledge, this variant has not been reported in the peer-reviewed literature. This variant is not found in version 2.1.1 or version 3.1.2 of the Genome Aggregation Database. It is located in the N-SET domain of the protein. Based on the available evidence, the c.5372C>G (p.Thr1791Ser) variant is classified as a variant of uncertain significance for intellectual developmental disorder with seizures and language delay.

NM_001353345.2(SETD1B):c.5372C>G (p.Thr1791Ser)

Gene: SETD1B (SET domain containing 1B, histone lysine methyltransferase; plus strand). Cytogenetic location: 12q24.31.
Variant type: single nucleotide variant.
Coding change: c.5372C>G on transcript NM_001353345.2 (MANE Select); coding-DNA position 5372, C replaced by G.
Protein change: p.Thr1791Ser; replaces threonine 1791 with serine.
Molecular consequence: missense variant.
Genome position (GRCh38, 1-based): chr12:121,827,553, C>G. VCF-style: chr12-121827553-C-G. GRCh37 (hg19) VCF-style: chr12-122265459-C-G.
Other names: short protein forms T1791S.
Identifiers: ClinVar variation 2580203 (VCV002580203.1), dbSNP rs1876900458, ClinGen allele CA387003213.